The following is an entry in ClinVar:

NM_002439.5(MSH3):c.3116G>A (p.Ser1039Asn)

Gene: MSH3 (mutS homolog 3; plus strand). Cytogenetic location: 5q14.1.
Variant type: single nucleotide variant.
Coding change: c.3116G>A on transcript NM_002439.5 (MANE Select); coding-DNA position 3116, G replaced by A.
Protein change: p.Ser1039Asn; replaces serine 1039 with asparagine.
Molecular consequence: missense variant.
Genome position (GRCh38, 1-based): chr5:80,864,928, G>A. VCF-style: chr5-80864928-G-A. GRCh37 (hg19) VCF-style: chr5-80160747-G-A.
Other names: short protein forms S1039N.
Identifiers: ClinVar variation 664037 (VCV000664037.12), dbSNP rs1380044382, ClinGen allele CA360346464.

ClinVar aggregate classification (germline): Uncertain significance. Review status: criteria provided, multiple submitters, no conflicts (2 of 4 stars). 2 submissions from 2 submitters: Uncertain significance (2). Last evaluated 2024-09-23.

Conditions:
Hereditary cancer-predisposing syndrome. Also called: Tumor predisposition; Hereditary neoplastic syndrome; Neoplastic Syndromes, Hereditary; Hereditary Cancer Syndrome. Identifiers: Orphanet 140162, MedGen C0027672, MeSH D009386, MONDO:0015356.

Allele frequency attached by ClinVar (database versions not stated): gnomAD exomes below 0.00001 and 0.00001; TOPMed below 0.00001; gnomAD 0.00001.
gnomAD v4.1: 2 of 1,613,784 alleles (0.00012%); highest among the groups gnomAD compares: Non-Finnish European, 0.00017%; no homozygotes.

Submissions (2):

Labcorp Genetics (formerly Invitae), Labcorp
Classification: Uncertain significance. Last evaluated: 2024-09-23. Review status: criteria provided, single submitter. Criteria: Invitae Variant Classification Sherloc (09022015). Collection method: clinical testing. Allele origin: germline.
Comment: This sequence change replaces serine, which is neutral and polar, with asparagine, which is neutral and polar, at codon 1039 of the MSH3 protein (p.Ser1039Asn). This variant is present in population databases (no rsID available, gnomAD 0.01%). This variant has not been reported in the literature in individuals affected with MSH3-related conditions. ClinVar contains an entry for this variant (Variation ID: 664037). An algorithm developed to predict the effect of missense changes on protein structure and function outputs the following: PolyPhen-2: "Benign". The asparagine amino acid residue is found in multiple mammalian species, which suggests that this missense change does not adversely affect protein function. In summary, the available evidence is currently insufficient to determine the role of this variant in disease. Therefore, it has been classified as a Variant of Uncertain Significance.

Ambry Genetics
Classification: Uncertain significance for Hereditary cancer-predisposing syndrome. Last evaluated: 2024-08-17. Review status: criteria provided, single submitter. Criteria: Ambry Variant Classification Scheme 2023. Collection method: clinical testing. Allele origin: germline.
Comment: The p.S1039N variant (also known as c.3116G>A), located in coding exon 22 of the MSH3 gene, results from a G to A substitution at nucleotide position 3116. The serine at codon 1039 is replaced by asparagine, an amino acid with highly similar properties. This amino acid position is not well conserved in available vertebrate species. In addition, this alteration is predicted to be tolerated by in silico analysis. Since supporting evidence is limited at this time, the clinical significance of this alteration remains unclear.